The following is an entry in ClinVar:

ClinVar aggregate classification (germline): Uncertain significance (1 of 4 stars; one submission).

Conditions:
Inborn genetic diseases. Identifiers: MedGen C0950123, MeSH D030342.

Submission:

Ambry Genetics
Classification: Uncertain significance for Inborn genetic diseases. Last evaluated: 2025-05-16. Review status: criteria provided, single submitter. Criteria: Ambry Variant Classification Scheme 2023. Collection method: clinical testing. Allele origin: germline.
Comment: The p.P779T variant (also known as c.2335C>A), located in coding exon 20 of the KDM1A gene, results from a C to A substitution at nucleotide position 2335. The proline at codon 779 is replaced by threonine, an amino acid with highly similar properties. This amino acid position is conserved. In addition, this alteration is predicted to be deleterious by in silico analysis. Based on the available evidence, the clinical significance of this variant remains unclear.

NM_001009999.3(KDM1A):c.2335C>A (p.Pro779Thr)

Gene: KDM1A (lysine demethylase 1A; plus strand). Cytogenetic location: 1p36.12.
Variant type: single nucleotide variant.
Coding change: c.2335C>A on transcript NM_001009999.3 (MANE Select); coding-DNA position 2335, C replaced by A.
Protein change: p.Pro779Thr; replaces proline 779 with threonine.
Molecular consequence: missense variant.
Genome position (GRCh38, 1-based): chr1:23,082,256, C>A. VCF-style: chr1-23082256-C-A. GRCh37 (hg19) VCF-style: chr1-23408749-C-A.
Other names: c.2281C>A, p.Pro761Thr (NM_001363654.2); c.2341C>A, p.Pro781Thr (NM_001410762.1); c.2263C>A, p.Pro755Thr (NM_001410763.1, NM_015013.4); short protein forms P755T, P761T, P781T, P779T.
Identifiers: ClinVar variation 4042136 (VCV004042136.1).